The following is an entry in ClinVar:

NM_002547.3(OPHN1):c.1442G>A (p.Arg481His)

Gene: OPHN1 (oligophrenin 1; minus strand). Cytogenetic location: Xq12.
Variant type: single nucleotide variant.
Coding change: c.1442G>A on transcript NM_002547.3 (MANE Select); coding-DNA position 1442, G replaced by A.
Protein change: p.Arg481His; replaces arginine 481 with histidine.
Molecular consequence: missense variant.
Genome position (GRCh38, 1-based): chrX:68,111,938, C>T on the plus strand (G>A on the coding strand, the complement: OPHN1 is on the minus strand). VCF-style: chrX-68111938-C-T. GRCh37 (hg19) VCF-style: chrX-67331780-C-T.
Other names: c.1442G>A (NM_002547.2); short protein forms R481H.
Identifiers: ClinVar variation 1997221 (VCV001997221.5), dbSNP rs2519695258, ClinGen allele CA413431727.
Genomic context (GRCh38, chrX:68,111,938, plus strand): 5'-TCCAGCATCTCTCGGTTCTTTTCTGGTAGCTTATATACCAGGGAGTGAATAGCTCCTAGG[C>T]GGTAATCCAGGTTGTCAGACTCTGGGATAGAACAGTAAGAGATAAATGGTTTGGCTTTCT-3'
Protein context (NP_002538.1, residues 471-491): SAAKSDNLDY[Arg481His]LGAIHSLVYK

ClinVar aggregate classification (germline): Uncertain significance. Review status: criteria provided, multiple submitters, no conflicts (2 of 4 stars). 2 submissions from 2 submitters: Uncertain significance (2). Last evaluated 2025-03-17.

Submissions (2):

Labcorp Genetics (formerly Invitae), Labcorp
Classification: Uncertain significance. Last evaluated: 2025-03-17. Review status: criteria provided, single submitter. Criteria: Invitae Variant Classification Sherloc (09022015). Collection method: clinical testing. Allele origin: germline.
Comment: This sequence change replaces arginine, which is basic and polar, with histidine, which is basic and polar, at codon 481 of the OPHN1 protein (p.Arg481His). This variant is not present in population databases (gnomAD no frequency). This variant has not been reported in the literature in individuals affected with OPHN1-related conditions. ClinVar contains an entry for this variant (Variation ID: 1997221). An algorithm developed to predict the effect of missense changes on protein structure and function (PolyPhen-2) suggests that this variant is likely to be disruptive. In summary, the available evidence is currently insufficient to determine the role of this variant in disease. Therefore, it has been classified as a Variant of Uncertain Significance.

GeneDx
Classification: Uncertain significance. Last evaluated: 2024-05-10. Review status: criteria provided, single submitter. Criteria: GeneDx Variant Classification Process June 2021. Collection method: clinical testing. Allele origin: germline. Affected: yes.
Comment: Not observed at significant frequency in large population cohorts (gnomAD); In silico analysis supports that this missense variant has a deleterious effect on protein structure/function; Has not been previously published as pathogenic or benign to our knowledge